The following is an entry in ClinVar:

NM_005359.6(SMAD4):c.156T>A (p.Asp52Glu)

Gene: SMAD4 (SMAD family member 4; plus strand). Cytogenetic location: 18q21.2.
Variant type: single nucleotide variant.
Coding change: c.156T>A on transcript NM_005359.6 (MANE Select); coding-DNA position 156, T replaced by A.
Protein change: p.Asp52Glu; replaces aspartic acid 52 with glutamic acid.
Molecular consequence: missense variant. On other transcripts: non-coding transcript variant (2).
Genome position (GRCh38, 1-based): chr18:51,047,202, T>A. VCF-style: chr18-51047202-T-A. GRCh37 (hg19) VCF-style: chr18-48573572-T-A.
Other names: c.156T>A, p.Asp52Glu (NM_001407041.1, NM_001407042.1, NM_001407043.1); short protein forms D52E.
Identifiers: ClinVar variation 3386023 (VCV003386023.1).

ClinVar aggregate classification (germline): Uncertain significance (1 of 4 stars; one submission).

Conditions:
Juvenile polyposis/hereditary hemorrhagic telangiectasia syndrome (JPHT). Also called: JP/HHT SYNDROME; JUVENILE POLYPOSIS WITH HEREDITARY HEMORRHAGIC TELANGIECTASIA; POLYPOSIS, GENERALIZED JUVENILE, WITH PULMONARY ARTERIOVENOUS MALFORMATION; TELANGIECTASIA, HEREDITARY HEMORRHAGIC, WITH JUVENILE POLYPOSIS COLI; Juvenile Polyposis Syndrome / Hereditary Hemorrhagic Telangiectasia (JPS/HHT). Identifiers: Orphanet 2929, MedGen C1832942, MONDO:0008278, OMIM 175050.

Submission:

All of Us Research Program, National Institutes of Health
Classification: Uncertain significance for Juvenile polyposis/hereditary hemorrhagic telangiectasia syndrome. Last evaluated: 2024-09-23. Review status: criteria provided, single submitter. Criteria: ACMG Guidelines, 2015. Collection method: clinical testing. Allele origin: germline. Inheritance: Autosomal dominant inheritance. Observed: 1 variant allele, 1 heterozygote.
Comment: This study involves interpretation of variants in research participants for the purpose of population health screening. Participant phenotype was not available at the time of variant classification. Additional details can be found in publication PMID: 35346344, PMCID: PMC8962531